The following is an entry in ClinVar:

ClinVar aggregate classification (germline): Uncertain significance (1 of 4 stars; one submission).

Conditions:
Cardiovascular phenotype. Identifiers: MedGen CN230736.

Submission:

Ambry Genetics
Classification: Uncertain significance for Cardiovascular phenotype. Last evaluated: 2025-04-20. Review status: criteria provided, single submitter. Criteria: Ambry Variant Classification Scheme 2023. Collection method: clinical testing. Allele origin: germline.
Comment: The p.A3037V variant (also known as c.9110C>T) is located in coding exon 26 of the TNXB gene. The alanine at codon 3037 is replaced by valine, an amino acid with similar properties. This change occurs in the first base pair of coding exon 26. This amino acid position is conserved. In addition, this alteration is predicted to be tolerated by in silico analysis. Based on the available evidence, the clinical significance of this variant remains unclear.

NM_001365276.2(TNXB):c.9116C>T (p.Ala3039Val)

Gene: TNXB (tenascin XB; minus strand). Cytogenetic location: 6p21.33.
Variant type: single nucleotide variant.
Coding change: c.9116C>T on transcript NM_001365276.2 (MANE Select); coding-DNA position 9116, C replaced by T.
Protein change: p.Ala3039Val; replaces alanine 3039 with valine.
Molecular consequence: missense variant.
Genome position (GRCh38, 1-based): chr6:32,050,321, G>A on the plus strand (C>T on the coding strand, the complement: TNXB is on the minus strand). VCF-style: chr6-32050321-G-A. GRCh37 (hg19) VCF-style: chr6-32018098-G-A.
Other names: c.9857C>T, p.Ala3286Val (NM_001428335.1); c.9110C>T, p.Ala3037Val (NM_019105.8); short protein forms A3037V, A3039V, A3286V.
Identifiers: ClinVar variation 3972004 (VCV003972004.1).
Genomic context (GRCh38, chr6:32,050,321, plus strand): 5'-ATGGGGGGCTCAGGGGTCATGGTAGGCACTGCTTGGGTGGTCTCGGCTTCATCCTTTGGA[G>A]CTGGACAGACACGTGTGGGGACAGTGAGGACCCTGGGTTCTCAGTTCAGCATAGAAAGGA-3'
Protein context (NP_001352205.1, residues 3029-3049): VGPVSAVGVT[Ala3039Val]PKDEAETTQA